The following is an entry in ClinVar:

ClinVar aggregate classification (germline): Uncertain significance. Review status: criteria provided, multiple submitters, no conflicts (2 of 4 stars). 3 submissions from 3 submitters: Uncertain significance (3). Last evaluated 2024-09-27.

Conditions:
Hereditary cancer-predisposing syndrome. Also called: Neoplastic Syndromes, Hereditary; Tumor predisposition; Hereditary Cancer Syndrome; Hereditary neoplastic syndrome. Identifiers: Orphanet 140162, MedGen C0027672, MeSH D009386, MONDO:0015356.
Neuroblastoma, susceptibility to, 3. Also called: ALK-Related Neuroblastic Tumor Susceptibility. Identifiers: Orphanet 635, MedGen C2751681, MONDO:0013083, OMIM 613014.

gnomAD v4.1: 1 of 1,614,064 alleles (0.000062%); highest among the groups gnomAD compares: Non-Finnish European, 0.000085%; no homozygotes.

Submissions (3):

Ambry Genetics
Classification: Uncertain significance for Hereditary cancer-predisposing syndrome. Last evaluated: 2024-09-27. Review status: criteria provided, single submitter. Criteria: Ambry Variant Classification Scheme 2023. Collection method: clinical testing. Allele origin: germline.

Labcorp Genetics (formerly Invitae), Labcorp
Classification: Uncertain significance for Neuroblastoma, susceptibility to, 3. Last evaluated: 2024-08-04. Review status: criteria provided, single submitter. Criteria: Invitae Variant Classification Sherloc (09022015). Collection method: clinical testing. Allele origin: germline.
Comment: This sequence change replaces histidine, which is basic and polar, with glutamine, which is neutral and polar, at codon 1228 of the ALK protein (p.His1228Gln). This variant is not present in population databases (gnomAD no frequency). This variant has not been reported in the literature in individuals affected with ALK-related conditions. ClinVar contains an entry for this variant (Variation ID: 538206). An algorithm developed to predict the effect of missense changes on protein structure and function (PolyPhen-2) suggests that this variant is likely to be disruptive. In summary, the available evidence is currently insufficient to determine the role of this variant in disease. Therefore, it has been classified as a Variant of Uncertain Significance.

GeneDx
Classification: Uncertain significance. Last evaluated: 2023-01-24. Review status: criteria provided, single submitter. Criteria: GeneDx Variant Classification Process June 2021. Collection method: clinical testing. Allele origin: germline. Affected: yes.
Comment: Not observed at significant frequency in large population cohorts (gnomAD); In silico analysis supports that this missense variant has a deleterious effect on protein structure/function; Has not been previously published as pathogenic or benign to our knowledge; This variant is associated with the following publications: (PMID: 35437925)

NM_004304.5(ALK):c.3684C>G (p.His1228Gln)

Gene: ALK (ALK receptor tyrosine kinase; minus strand). Cytogenetic location: 2p23.2.
Variant type: single nucleotide variant.
Coding change: c.3684C>G on transcript NM_004304.5 (MANE Select); coding-DNA position 3684, C replaced by G.
Protein change: p.His1228Gln; replaces histidine 1228 with glutamine.
Molecular consequence: missense variant.
Genome position (GRCh38, 1-based): chr2:29,214,043, G>C on the plus strand (C>G on the coding strand, the complement: ALK is on the minus strand). VCF-style: chr2-29214043-G-C. GRCh37 (hg19) VCF-style: chr2-29436909-G-C.
Other names: c.480C>G, p.His160Gln (NM_001353765.2); short protein forms H1228Q, H160Q.
Identifiers: ClinVar variation 538206 (VCV000538206.12), dbSNP rs763332339, ClinGen allele CA346471494.
Genomic context (GRCh38, chr2:29,214,043, plus strand): 5'-CCGGTGGATGAAGTGGTTTTCCTCCAAATACTGACAGCCACAGGCAATGTCCCGAGCCAC[G>C]TGCAGAAGGTCCAGCATGGCCAGGGAGGAGGGCTGGCTCTGTGGGGAGACAGAAGCGGGC-3'
Protein context (NP_004295.2, residues 1218-1238): PSSLAMLDLL[His1228Gln]VARDIACGCQ